The following is an entry in ClinVar:

NM_012400.4(PLA2G2D):c.180G>A (p.Thr60=)

Gene: PLA2G2D (phospholipase A2 group IID; minus strand). Cytogenetic location: 1p36.12.
Variant type: single nucleotide variant.
Coding change: c.180G>A on transcript NM_012400.4 (MANE Select); coding-DNA position 180, G replaced by A.
Protein change: p.Thr60=; no amino-acid change (threonine 60 retained).
Molecular consequence: synonymous variant.
Genome position (GRCh38, 1-based): chr1:20,116,338, C>T on the plus strand (G>A on the coding strand, the complement: PLA2G2D is on the minus strand). VCF-style: chr1-20116338-C-T. GRCh37 (hg19) VCF-style: chr1-20442831-C-T.
Other names: c.180G>A, p.Thr60= (NM_001271814.2).
Identifiers: ClinVar variation 3250512 (VCV003250512.18), dbSNP rs150798636.

ClinVar aggregate classification (germline): Benign (1 of 4 stars; one submission).

Allele frequency attached by ClinVar (database versions not stated): 1000 Genomes Project 30x 0.00265; 1000 Genomes Project 0.00339; TOPMed 0.00584; gnomAD 0.00720; ExAC 0.00732; ESP Exome Variant Server 0.00761; gnomAD exomes 0.01027.

Submission:

CeGaT Center for Human Genetics Tuebingen
Classification: Benign. Last evaluated: 2024-07-01. Review status: criteria provided, single submitter. Criteria: CeGaT Center For Human Genetics Tuebingen Variant Classification Criteria Version 2. Collection method: clinical testing. Allele origin: germline. Affected: yes. Observed: 1 variant allele.
Comment: PLA2G2D: BP4, BP7, BS1, BS2